The following is an entry in ClinVar:

ClinVar aggregate classification (germline): Benign. Review status: criteria provided, single submitter (1 of 4 stars). 2 submissions from 2 submitters: Benign (1). 1 of the submissions does not count toward it. Last evaluated 2025-09-20.

Conditions:
REN-related disorder. Also called: REN-related condition.

Allele frequency attached by ClinVar (database versions not stated): TOPMed 0.00005; gnomAD 0.00017; gnomAD exomes 0.00026; ExAC 0.00062; 1000 Genomes Project 30x 0.00156; 1000 Genomes Project 0.00180.
gnomAD v4.1: 417 of 1,614,110 alleles (0.026%); highest among the groups gnomAD compares: South Asian, 0.42%; 3 homozygotes.

Submissions (2):

Labcorp Genetics (formerly Invitae), Labcorp
Classification: Benign. Last evaluated: 2025-09-20. Review status: criteria provided, single submitter. Criteria: Invitae Variant Classification Sherloc (09022015). Collection method: clinical testing. Allele origin: germline.

PreventionGenetics, part of Exact Sciences
Classification: Likely benign for REN-related condition. Last evaluated: 2023-12-29. Review status: no assertion criteria provided. Collection method: clinical testing. Allele origin: germline. Not counted in ClinVar's aggregate classification.
Comment: This variant is classified as likely benign based on ACMG/AMP sequence variant interpretation guidelines (Richards et al. 2015 PMID: 25741868, with internal and published modifications).

NM_000537.4(REN):c.1009C>T (p.His337Tyr)

Gene: REN (renin; minus strand). Cytogenetic location: 1q32.1.
Variant type: single nucleotide variant.
Coding change: c.1009C>T on transcript NM_000537.4 (MANE Select); coding-DNA position 1009, C replaced by T.
Protein change: p.His337Tyr; replaces histidine 337 with tyrosine.
Molecular consequence: missense variant.
Genome position (GRCh38, 1-based): chr1:204,155,870, G>A on the plus strand (C>T on the coding strand, the complement: REN is on the minus strand). VCF-style: chr1-204155870-G-A. GRCh37 (hg19) VCF-style: chr1-204124998-G-A.
Other names: c.1009C>T (NM_000537.3); short protein forms H337Y.
Identifiers: ClinVar variation 2066164 (VCV002066164.6), dbSNP rs536704856, ClinGen allele CA1344688.